The following is an entry in ClinVar:

NM_138294.3(PATE1):c.140A>G (p.Gln47Arg)

Gene: PATE1 (prostate and testis expressed 1; plus strand). Cytogenetic location: 11q24.2.
Variant type: single nucleotide variant.
Coding change: c.140A>G on transcript NM_138294.3 (MANE Select); coding-DNA position 140, A replaced by G.
Protein change: p.Gln47Arg; replaces glutamine 47 with arginine.
Molecular consequence: missense variant.
Genome position (GRCh38, 1-based): chr11:125,747,715, A>G. VCF-style: chr11-125747715-A-G. GRCh37 (hg19) VCF-style: chr11-125617610-A-G.
Other names: short protein forms Q47R.
Identifiers: ClinVar variation 1288200 (VCV001288200.2), dbSNP rs2114084, ClinGen allele CA6350002.

ClinVar aggregate classification (germline): Benign. Review status: criteria provided, multiple submitters, no conflicts (2 of 4 stars). 2 submissions from 2 submitters: Benign (2). Last evaluated 2019-01-18.

Allele frequency attached by ClinVar (database versions not stated): gnomAD exomes 0.28483 and 0.29148; ExAC 0.29674; TOPMed 0.30664; 1000 Genomes Project 30x 0.33479; 1000 Genomes Project 0.33746; gnomAD 0.30745 and 0.30989; ESP Exome Variant Server 0.31854.
gnomAD v4.1: 464,134 of 1,613,174 alleles (29%); highest among the groups gnomAD compares: East Asian, 40%; 68,231 homozygotes.

Submissions (2):

GeneDx
Classification: Benign. Last evaluated: 2019-01-18. Review status: criteria provided, single submitter. Criteria: GeneDx Variant Classification Process June 2021. Collection method: clinical testing. Allele origin: germline. Affected: yes.
Comment: This variant is associated with the following publications: (PMID: 27636828)

Breakthrough Genomics
Classification: Benign. Review status: criteria provided, single submitter. Criteria: ACMG Guidelines, 2015. Collection method: not provided. Allele origin: germline. Inheritance: Unknown mechanism. Affected: yes.